The following is an entry in ClinVar:

ClinVar aggregate classification (germline): Benign/Likely benign. Review status: criteria provided, multiple submitters, no conflicts (2 of 4 stars). 16 submissions from 15 submitters: Benign (12); Likely benign (1). 3 of the submissions do not count toward it. Last evaluated 2026-02-04.

Conditions:
MYPN-related myopathy (CMYO24). Also called: Nemaline myopathy 11, autosomal recessive. Identifiers: MedGen C4479186, MONDO:0015023, OMIM 617336.
Cardiovascular phenotype. Identifiers: MedGen CN230736.
Dilated cardiomyopathy 1KK (CMD1KK). Identifiers: Orphanet 154, Orphanet 75249, MedGen C3714995, MONDO:0014100, OMIM 615248.

Allele frequency attached by ClinVar (database versions not stated): 1000 Genomes Project 30x 0.33791; 1000 Genomes Project 0.34026; TOPMed 0.38633; ESP Exome Variant Server 0.40589; gnomAD 0.40601 and 0.40619; gnomAD exomes 0.43199; ExAC 0.43228.
gnomAD v4.1: 751,565 of 1,613,704 alleles (47%); highest among the groups gnomAD compares: Non-Finnish European, 49%; 179,304 homozygotes.

Submissions (16):

Labcorp Genetics (formerly Invitae), Labcorp
Classification: Benign for Dilated cardiomyopathy 1KK. Last evaluated: 2026-02-04. Review status: criteria provided, single submitter. Criteria: Invitae Variant Classification Sherloc (09022015). Collection method: clinical testing. Allele origin: germline.

Blueprint Genetics
Classification: Benign. Last evaluated: 2024-11-27. Review status: criteria provided, single submitter. Criteria: ACMG Guidelines, 2015. Collection method: clinical testing. Allele origin: germline.

Women's Health and Genetics/Laboratory Corporation of America, LabCorp
Classification: Likely benign. Last evaluated: 2023-04-04. Review status: criteria provided, single submitter. Criteria: LabCorp Variant Classification Summary - May 2015. Collection method: clinical testing. Allele origin: germline.

Mayo Clinic Laboratories, Mayo Clinic
Classification: Benign. Last evaluated: 2022-03-24. Review status: criteria provided, single submitter. Criteria: ACMG Guidelines, 2015. Collection method: clinical testing. Allele origin: germline. Observed: 1,026 variant alleles.

Genome-Nilou Lab
Classification: Benign for Dilated cardiomyopathy 1KK. Last evaluated: 2021-09-05. Review status: criteria provided, single submitter. Criteria: ACMG Guidelines, 2015. Collection method: clinical testing. Allele origin: germline. Affected: no.

Genome-Nilou Lab
Classification: Benign for MYPN-related myopathy. Last evaluated: 2021-09-05. Review status: criteria provided, single submitter. Criteria: ACMG Guidelines, 2015. Collection method: clinical testing. Allele origin: germline. Affected: no.

Clinical Genetics DNA and cytogenetics Diagnostics Lab, Erasmus MC, Erasmus Medical Center
Classification: Benign for Dilated cardiomyopathy 1KK. Last evaluated: 2017-09-29. Review status: criteria provided, single submitter. Criteria: ACGS Guidelines, 2013. Collection method: clinical testing. Allele origin: germline. Affected: yes. Study: VKGL Data-share Consensus.

Molecular Diagnostic Laboratory for Inherited Cardiovascular Disease, Montreal Heart Institute
Classification: Benign. Last evaluated: 2016-05-13. Review status: criteria provided, single submitter. Criteria: ACMG Guidelines, 2015. Collection method: clinical testing. Allele origin: germline. Affected: yes.

Ambry Genetics
Classification: Benign for Cardiovascular phenotype. Last evaluated: 2015-06-16. Review status: criteria provided, single submitter. Criteria: Ambry Variant Classification Scheme 2023. Collection method: clinical testing. Allele origin: germline.

Laboratory for Molecular Medicine, Mass General Brigham Personalized Medicine
Classification: Benign. Last evaluated: 2014-10-29. Review status: criteria provided, single submitter. Criteria: LMM Criteria. Collection method: clinical testing. Allele origin: germline. Observed: 389 variant alleles.
Comment: p.Pro1135Thr in exon 18 of MYPN: This variant is not expected to have clinical s ignificance because it has been identified in 48% (4116/8600) of European Americ an chromosomes by the NHLBI Exome Sequencing Project (du/EVS/; dbSNP rs7079481).

GeneDx
Classification: Benign. Last evaluated: 2013-11-13. Review status: criteria provided, single submitter. Criteria: GeneDx Variant Classification (06012015). Collection method: clinical testing. Allele origin: germline. Affected: yes.
Comment: This variant is considered likely benign or benign based on one or more of the following criteria: it is a conservative change, it occurs at a poorly conserved position in the protein, it is predicted to be benign by multiple in silico algorithms, and/or has population frequency not consistent with disease.

Biesecker Lab/Clinical Genomics Section, National Institutes of Health
Classification: Benign. Last evaluated: 2013-06-24. Review status: criteria provided, single submitter. Criteria: Ng et al. (Circ Cardiovasc Genet. 2013). Collection method: research. Allele origin: unknown. Observed: 589 variant alleles. Study: ClinSeq.
Comment: The study set was not selected for affection status in relation to any cancer. Pathogenicity categories were based on literature curation. See Pubmed ID:23861362 for details.

Medical sequencing

Breakthrough Genomics
Classification: Benign. Review status: criteria provided, single submitter. Criteria: ACMG Guidelines, 2015. Collection method: not provided. Allele origin: germline. Inheritance: Autosomal recessive inheritance. Affected: yes.

Leiden Muscular Dystrophy (MYPN)
No classification provided. Last evaluated: 2012-04-27. Review status: no classification provided. Collection method: curation. Allele origin: germline. Not counted in ClinVar's aggregate classification.

Clinical Genetics, Academic Medical Center
Classification: Benign. Review status: no assertion criteria provided. Collection method: clinical testing. Allele origin: germline. Affected: yes. Study: VKGL Data-share Consensus. Not counted in ClinVar's aggregate classification.

Joint Genome Diagnostic Labs from Nijmegen and Maastricht, Radboudumc and MUMC+
Classification: Benign. Review status: no assertion criteria provided. Collection method: clinical testing. Allele origin: germline. Affected: yes. Study: VKGL Data-share Consensus. Not counted in ClinVar's aggregate classification.

Literature cited by the submitters: PubMed 18006477 (cited by Laboratory for Molecular Medicine, Mass General Brigham Personalized Medicine); PubMed 22286171 (cited by Laboratory for Molecular Medicine, Mass General Brigham Personalized Medicine).

NM_032578.4(MYPN):c.3403C>A (p.Pro1135Thr)

Gene: MYPN (myopalladin; plus strand). Cytogenetic location: 10q21.3.
Variant type: single nucleotide variant.
Coding change: c.3403C>A on transcript NM_032578.4 (MANE Select); coding-DNA position 3403, C replaced by A.
Protein change: p.Pro1135Thr; replaces proline 1135 with threonine.
Molecular consequence: missense variant. On other transcripts: non-coding transcript variant (2).
Genome position (GRCh38, 1-based): chr10:68,199,485, C>A. VCF-style: chr10-68199485-C-A. GRCh37 (hg19) VCF-style: chr10-69959242-C-A.
Other names: p.P1135T:CCA>ACA; c.3403C>A, p.Pro1135Thr (NM_001256267.2); c.2521C>A, p.Pro841Thr (NM_001256268.2); short protein forms P1135T, P841T.
Identifiers: ClinVar variation 31800 (VCV000031800.31), dbSNP rs7079481, ClinGen allele CA200038.